The following is an entry in ClinVar:

ClinVar aggregate classification (germline): Uncertain significance (1 of 4 stars; one submission).

Allele frequency attached by ClinVar (database versions not stated): gnomAD exomes below 0.00001.
gnomAD v4.1: 2 of 1,613,888 alleles (0.00012%); highest among the groups gnomAD compares: Non-Finnish European, 0.000085%; no homozygotes.

Submission:

CeGaT Center for Human Genetics Tuebingen
Classification: Uncertain significance. Last evaluated: 2023-03-01. Review status: criteria provided, single submitter. Criteria: CeGaT Center For Human Genetics Tuebingen Variant Classification Criteria Version 2. Collection method: clinical testing. Allele origin: germline. Affected: yes. Observed: 1 variant allele.
Comment: NSF: PM2

NM_006178.4(NSF):c.2125A>C (p.Lys709Gln)

Genes: LRRC37A2 (leucine rich repeat containing 37 member A2), NSF (N-ethylmaleimide sensitive factor, vesicle fusing ATPase; plus strand). Cytogenetic location: 17q21.31.
Variant type: single nucleotide variant.
Coding change: c.2125A>C on transcript NM_006178.4 (MANE Select); coding-DNA position 2125, A replaced by C.
Protein change: p.Lys709Gln; replaces lysine 709 with glutamine.
Molecular consequence: missense variant. On other transcripts: non-coding transcript variant (1).
Genome position (GRCh38, 1-based): chr17:46,751,584, A>C. VCF-style: chr17-46751584-A-C. GRCh37 (hg19) VCF-style: chr17-44828950-A-C.
Other names: short protein forms K709Q.
Identifiers: ClinVar variation 2647869 (VCV002647869.24), dbSNP rs2545960080, ClinGen allele CA399997355.